The following is an entry in ClinVar:

NM_005629.4(SLC6A8):c.1574T>C (p.Phe525Ser)

Gene: SLC6A8 (solute carrier family 6 member 8; plus strand). Cytogenetic location: Xq28.
Variant type: single nucleotide variant.
Coding change: c.1574T>C on transcript NM_005629.4 (MANE Select); coding-DNA position 1574, T replaced by C.
Protein change: p.Phe525Ser; replaces phenylalanine 525 with serine.
Molecular consequence: missense variant.
Genome position (GRCh38, 1-based): chrX:153,694,611, T>C. VCF-style: chrX-153694611-T-C. GRCh37 (hg19) VCF-style: chrX-152960066-T-C.
Other names: c.1544T>C, p.Phe515Ser (NM_001142805.2); c.1229T>C, p.Phe410Ser (NM_001142806.1); short protein forms F410S, F515S, F525S.
Identifiers: ClinVar variation 2503375 (VCV002503375.4), dbSNP rs2522168817, ClinGen allele CA415088588.

ClinVar aggregate classification (germline): Uncertain significance. Review status: criteria provided, multiple submitters, no conflicts (2 of 4 stars). 2 submissions from 2 submitters: Uncertain significance (2). Last evaluated 2023-03-14.

Conditions:
Creatine transporter deficiency (CCDS1). Also called: Mental retardation , X-linked with seizures, short stature and midface hypoplasia; Mental retardation , X-linked, with creatine transport deficiency; X-linked creatine transporter deficiency; X-linked creatine deficiency syndrome; SLC6A8-Related Creatine Transporter Deficiency; CREATINE TRANSPORTER DEFECT. Identifiers: Orphanet 52503, MedGen C1845862, MONDO:0010305, OMIM 300352.

Submissions (2):

Labcorp Genetics (formerly Invitae), Labcorp
Classification: Uncertain significance for Creatine transporter deficiency. Last evaluated: 2023-03-14. Review status: criteria provided, single submitter. Criteria: Invitae Variant Classification Sherloc (09022015). Collection method: clinical testing. Allele origin: germline.
Comment: This sequence change replaces phenylalanine, which is neutral and non-polar, with serine, which is neutral and polar, at codon 525 of the SLC6A8 protein (p.Phe525Ser). This variant is not present in population databases (gnomAD no frequency). This variant has not been reported in the literature in individuals affected with SLC6A8-related conditions. Advanced modeling of protein sequence and biophysical properties (such as structural, functional, and spatial information, amino acid conservation, physicochemical variation, residue mobility, and thermodynamic stability) has been performed at Invitae for this missense variant, however the output from this modeling did not meet the statistical confidence thresholds required to predict the impact of this variant on SLC6A8 protein function. In summary, the available evidence is currently insufficient to determine the role of this variant in disease. Therefore, it has been classified as a Variant of Uncertain Significance.

GeneDx
Classification: Uncertain significance. Last evaluated: 2022-11-29. Review status: criteria provided, single submitter. Criteria: GeneDx Variant Classification Process June 2021. Collection method: clinical testing. Allele origin: germline. Affected: yes.
Comment: Not observed at significant frequency in large population cohorts (gnomAD); In silico analysis supports that this missense variant has a deleterious effect on protein structure/function; Has not been previously published as pathogenic or benign to our knowledge